The following is an entry in ClinVar:

NM_000158.4(GBE1):c.568A>T (p.Arg190Ter)

Gene: GBE1 (1,4-alpha-glucan branching enzyme 1; minus strand). Cytogenetic location: 3p12.2.
Variant type: single nucleotide variant.
Coding change: c.568A>T on transcript NM_000158.4 (MANE Select); coding-DNA position 568, A replaced by T.
Protein change: p.Arg190Ter; replaces arginine 190 with a stop codon.
Molecular consequence: nonsense.
Genome position (GRCh38, 1-based): chr3:81,648,979, T>A on the plus strand (A>T on the coding strand, the complement: GBE1 is on the minus strand). VCF-style: chr3-81648979-T-A. GRCh37 (hg19) VCF-style: chr3-81698130-T-A.
Other names: short protein forms R190*.
Identifiers: ClinVar variation 5012104 (VCV005012104.1), dbSNP rs2229519.
Genomic context (GRCh38, chr3:81,648,979, plus strand): 5'-CATGGGAAGAAATTCCCACATGAGATTCATAAATTCTTAGACTCCGTGGCTTCTTTGGTC[T>A]GGAATGCTTAAACTACAGAATATAAAATTATGTATAGAGTTAAGCCAGGAATTCTGGTAT-3'

ClinVar aggregate classification (germline): Pathogenic (1 of 4 stars; one submission).

Conditions:
Glycogen storage disease, type IV (GSD4). Also called: AMYLOPECTINOSIS; ANDERSEN DISEASE; BRANCHER DEFICIENCY; CIRRHOSIS, FAMILIAL, WITH DEPOSITION OF ABNORMAL GLYCOGEN; GBE1 DEFICIENCY; GLYCOGEN BRANCHING ENZYME DEFICIENCY. Identifiers: Orphanet 367, MedGen C0017923, MONDO:0009292, OMIM 232500.

Submission:

Myriad Genetics, Inc.
Classification: Pathogenic for Glycogen storage disease, type IV. Last evaluated: 2024-05-14. Review status: criteria provided, single submitter. Criteria: Myriad Autosomal Dominant, Autosomal Recessive and X-Linked Classification Criteria (2023). Collection method: clinical testing. Allele origin: unknown.
Comment: NM_000158.3(GBE1):c.568A>T(R190*) is expected to be pathogenic in the context of glycogen storage disease, GBE1-related. This variant is predicted to lead to an abnormal or absent protein product due to the creation of a premature termination codon in GBE1, a gene where loss-of-function variants are known to be pathogenic. Please note: this variant was assessed in the context of healthy population screening.